The following is an entry in ClinVar:

ClinVar aggregate classification (germline): Uncertain significance (1 of 4 stars; one submission).

Conditions:
Hereditary cancer-predisposing syndrome. Also called: Neoplastic Syndromes, Hereditary; Tumor predisposition; Hereditary neoplastic syndrome; Hereditary Cancer Syndrome. Identifiers: Orphanet 140162, MedGen C0027672, MeSH D009386, MONDO:0015356.

Submission:

Labcorp Genetics (formerly Invitae), Labcorp
Classification: Uncertain significance for Hereditary cancer-predisposing syndrome. Last evaluated: 2022-07-15. Review status: criteria provided, single submitter. Criteria: Invitae Variant Classification Sherloc (09022015). Collection method: clinical testing. Allele origin: germline.
Comment: This sequence change replaces asparagine, which is neutral and polar, with lysine, which is basic and polar, at codon 64 of the RAD50 protein (p.Asn64Lys). This variant is not present in population databases (gnomAD no frequency). This variant has not been reported in the literature in individuals affected with RAD50-related conditions. ClinVar contains an entry for this variant (Variation ID: 579504). Algorithms developed to predict the effect of missense changes on protein structure and function (SIFT, PolyPhen-2, Align-GVGD) all suggest that this variant is likely to be tolerated. In summary, the available evidence is currently insufficient to determine the role of this variant in disease. Therefore, it has been classified as a Variant of Uncertain Significance.

NM_005732.4(RAD50):c.192T>G (p.Asn64Lys)

Gene: RAD50 (RAD50 double strand break repair protein; plus strand). Cytogenetic location: 5q31.1.
Variant type: single nucleotide variant.
Coding change: c.192T>G on transcript NM_005732.4 (MANE Select); coding-DNA position 192, T replaced by G.
Protein change: p.Asn64Lys; replaces asparagine 64 with lysine.
Molecular consequence: missense variant.
Genome position (GRCh38, 1-based): chr5:132,559,346, T>G. VCF-style: chr5-132559346-T-G. GRCh37 (hg19) VCF-style: chr5-131895038-T-G.
Other names: short protein forms N64K.
Identifiers: ClinVar variation 579504 (VCV000579504.9), dbSNP rs1304316609, ClinGen allele CA360953673.